The following is an entry in ClinVar:

NM_001042432.2(CLN3):c.238A>G (p.Thr80Ala)

Gene: CLN3 (CLN3 lysosomal/endosomal transmembrane protein, battenin; minus strand). Cytogenetic location: 16p12.1.
Variant type: single nucleotide variant.
Coding change: c.238A>G on transcript NM_001042432.2 (MANE Select); coding-DNA position 238, A replaced by G.
Protein change: p.Thr80Ala; replaces threonine 80 with alanine.
Molecular consequence: missense variant. On other transcripts: synonymous variant (1), intron variant (2).
Genome position (GRCh38, 1-based): chr16:28,488,647, T>C on the plus strand (A>G on the coding strand, the complement: CLN3 is on the minus strand). VCF-style: chr16-28488647-T-C. GRCh37 (hg19) VCF-style: chr16-28499968-T-C.
Other names: c.238A>G, p.Thr80Ala (NM_000086.2); c.18A>G, p.Gln6= (NM_001286105.2); c.76A>G, p.Thr26Ala (NM_001286110.2); c.60+643A>G (NM_001286109.2); c.222+643A>G (NM_001286104.2); short protein forms T26A, T80A.
Identifiers: ClinVar variation 949400 (VCV000949400.4), dbSNP rs150348015, ClinGen allele CA395346322.

ClinVar aggregate classification (germline): Uncertain significance (1 of 4 stars; one submission).

Conditions:
Neuronal ceroid lipofuscinosis. Also called: Neuronal Ceroid Lipofuscinoses. Identifiers: Orphanet 216, Orphanet 79263, MedGen C0027877, MONDO:0016295. Disease mechanism: loss of function.

gnomAD v4.1: 5 of 1,614,142 alleles (0.00031%); highest among the groups gnomAD compares: South Asian, 0.0011%; no homozygotes.

Submission:

Labcorp Genetics (formerly Invitae), Labcorp
Classification: Uncertain significance for Neuronal ceroid lipofuscinosis. Last evaluated: 2021-08-28. Review status: criteria provided, single submitter. Criteria: Invitae Variant Classification Sherloc (09022015). Collection method: clinical testing. Allele origin: germline.
Comment: This sequence change replaces threonine with alanine at codon 80 of the CLN3 protein (p.Thr80Ala). The threonine residue is weakly conserved and there is a small physicochemical difference between threonine and alanine. This variant is not present in population databases (ExAC no frequency). This variant has not been reported in the literature in individuals affected with CLN3-related conditions. Algorithms developed to predict the effect of missense changes on protein structure and function output the following: SIFT: "Tolerated"; PolyPhen-2: "Benign"; Align-GVGD: "Class C0". The alanine amino acid residue is found in multiple mammalian species, which suggests that this missense change does not adversely affect protein function. In summary, the available evidence is currently insufficient to determine the role of this variant in disease. Therefore, it has been classified as a Variant of Uncertain Significance.